The following is an entry in ClinVar:

ClinVar aggregate classification (germline): Pathogenic (1 of 4 stars; one submission).

Submission:

Labcorp Genetics (formerly Invitae), Labcorp
Classification: Pathogenic. Last evaluated: 2025-03-05. Review status: criteria provided, single submitter. Criteria: Invitae Variant Classification Sherloc (09022015). Collection method: clinical testing. Allele origin: germline.
Comment: This sequence change creates a premature translational stop signal (p.Arg200Lysfs*9) in the CEP250 gene. It is expected to result in an absent or disrupted protein product. Loss-of-function variants in CEP250 are known to be pathogenic (PMID: 24780881, 29718797). This variant is not present in population databases (gnomAD no frequency). This variant has not been reported in the literature in individuals affected with CEP250-related conditions. For these reasons, this variant has been classified as Pathogenic.

Literature cited by the submitters: PubMed 24780881; PubMed 29718797.

NM_007186.6(CEP250):c.598dup (p.Arg200fs)

Gene: CEP250 (centrosomal protein 250; plus strand). Cytogenetic location: 20q11.22.
Variant type: Duplication.
Coding change: c.598dup on transcript NM_007186.6 (MANE Select); coding-DNA position 598, one base duplicated (A; older notation c.598dupA).
Protein change: p.Arg200fs; shifts the reading frame from arginine 200.
Molecular consequence: frameshift variant. On other transcripts: 5 prime UTR variant (1).
Genome position (GRCh38, 1-based): chr20:35,467,071, A duplicated. VCF-style (leftmost placement, unchanged base first): chr20-35467070-C-CA. GRCh37 (hg19) VCF-style: chr20-34054895-C-CA.
Other names: c.-1302dup (NM_001318219.1); short protein forms R200fs.
Identifiers: ClinVar variation 4714398 (VCV004714398.1).